The following is an entry in ClinVar:

ClinVar aggregate classification (germline): Uncertain significance. Review status: criteria provided, multiple submitters, no conflicts (2 of 4 stars). 2 submissions from 2 submitters: Uncertain significance (2). Last evaluated 2025-10-02.

Conditions:
Autosomal recessive limb-girdle muscular dystrophy type 2L (LGMDR12). Also called: Limb-girdle muscular dystrophy, type 2L; Limb-Girdle Muscular Dystrophy R12 Anoctamin-5-Related (LGMD-R12); MUSCULAR DYSTROPHY, LIMB-GIRDLE, AUTOSOMAL RECESSIVE 12. Identifiers: Orphanet 206549, MedGen C1969785, MONDO:0012652, OMIM 611307.
Gnathodiaphyseal dysplasia (GDD). Also called: OSTEOGENESIS IMPERFECTA WITH UNUSUAL SKELETAL LESIONS; GNATHODIAPHYSEAL SCLEROSIS. Identifiers: Orphanet 53697, MedGen C1833736, MONDO:0008151, OMIM 166260.
Inborn genetic diseases. Identifiers: MedGen C0950123, MeSH D030342.

Allele frequency attached by ClinVar (database versions not stated): gnomAD 0.00001; TOPMed 0.00002.
gnomAD v4.1: 70 of 1,613,948 alleles (0.0043%); highest among the groups gnomAD compares: Non-Finnish European, 0.0058%; no homozygotes.

Submissions (2):

Labcorp Genetics (formerly Invitae), Labcorp
Classification: Uncertain significance for Autosomal recessive limb-girdle muscular dystrophy type 2L; Gnathodiaphyseal dysplasia. Last evaluated: 2025-10-02. Review status: criteria provided, single submitter. Criteria: Invitae Variant Classification Sherloc (09022015). Collection method: clinical testing. Allele origin: germline.
Comment: This sequence change replaces valine, which is neutral and non-polar, with isoleucine, which is neutral and non-polar, at codon 473 of the ANO5 protein (p.Val473Ile). This variant is present in population databases (rs202040709, gnomAD 0.007%). This variant has not been reported in the literature in individuals affected with ANO5-related conditions. ClinVar contains an entry for this variant (Variation ID: 838848). Invitae Evidence Modeling of protein sequence and biophysical properties (such as structural, functional, and spatial information, amino acid conservation, physicochemical variation, residue mobility, and thermodynamic stability) indicates that this missense variant is not expected to disrupt ANO5 protein function with a negative predictive value of 95%. In summary, the available evidence is currently insufficient to determine the role of this variant in disease. Therefore, it has been classified as a Variant of Uncertain Significance.

Ambry Genetics
Classification: Uncertain significance for Inborn genetic diseases. Last evaluated: 2025-08-30. Review status: criteria provided, single submitter. Criteria: Ambry Variant Classification Scheme 2023. Collection method: clinical testing. Allele origin: germline.

NM_213599.3(ANO5):c.1417G>A (p.Val473Ile)

Gene: ANO5 (anoctamin 5; plus strand). Cytogenetic location: 11p14.3.
Variant type: single nucleotide variant.
Coding change: c.1417G>A on transcript NM_213599.3 (MANE Select); coding-DNA position 1417, G replaced by A.
Protein change: p.Val473Ile; replaces valine 473 with isoleucine.
Molecular consequence: missense variant.
Genome position (GRCh38, 1-based): chr11:22,259,528, G>A. VCF-style: chr11-22259528-G-A. GRCh37 (hg19) VCF-style: chr11-22281074-G-A.
Other names: c.1414G>A, p.Val472Ile (NM_001142649.2); short protein forms V473I, V472I.
Identifiers: ClinVar variation 838848 (VCV000838848.11), dbSNP rs202040709, ClinGen allele CA218765570.
Genomic context (GRCh38, chr11:22,259,528, plus strand): 5'-ATAACAGAGATACAGAGACCCAAATAGCAGTTCTTTGTTTTCCTTTCCCAGATGTCTCTT[G>A]TCGTCACCAGTATGGTAGCTGTAATTGTGTACCGCCTGTCAGTCTTTGCTACATTTGCTA-3'
Protein context (NP_998764.1, residues 463-483): GATVTLWMSL[Val473Ile]VTSMVAVIVY